The following is an entry in ClinVar:

NM_004006.3(DMD):c.3568C>T (p.Pro1190Ser)

Gene: DMD (dystrophin; minus strand). Cytogenetic location: Xp21.1.
Variant type: single nucleotide variant.
Coding change: c.3568C>T on transcript NM_004006.3 (MANE Select); coding-DNA position 3568, C replaced by T.
Protein change: p.Pro1190Ser; replaces proline 1190 with serine.
Molecular consequence: missense variant.
Genome position (GRCh38, 1-based): chrX:32,454,697, G>A on the plus strand (C>T on the coding strand, the complement: DMD is on the minus strand). VCF-style: chrX-32454697-G-A. GRCh37 (hg19) VCF-style: chrX-32472814-G-A.
Other names: c.3544C>T, p.Pro1182Ser (NM_000109.4); c.3556C>T, p.Pro1186Ser (NM_004009.3); c.3199C>T, p.Pro1067Ser (NM_004010.3); short protein forms P1067S, P1186S, P1190S, P1182S.
Identifiers: ClinVar variation 3634835 (VCV003634835.2).

ClinVar aggregate classification (germline): Uncertain significance (1 of 4 stars; one submission).

Conditions:
Duchenne muscular dystrophy (DMD). Also called: MUSCULAR DYSTROPHY, PSEUDOHYPERTROPHIC PROGRESSIVE, DUCHENNE TYPE; Duchenne Muscular Dystrophy (DMD). Identifiers: Orphanet 98896, MedGen C0013264, MONDO:0010679, OMIM 310200.

Submission:

Labcorp Genetics (formerly Invitae), Labcorp
Classification: Uncertain significance for Duchenne muscular dystrophy. Last evaluated: 2024-06-15. Review status: criteria provided, single submitter. Criteria: Invitae Variant Classification Sherloc (09022015). Collection method: clinical testing. Allele origin: germline.
Comment: This sequence change replaces proline, which is neutral and non-polar, with serine, which is neutral and polar, at codon 1190 of the DMD protein (p.Pro1190Ser). This variant is not present in population databases (gnomAD no frequency). This variant has not been reported in the literature in individuals affected with DMD-related conditions. Advanced modeling of protein sequence and biophysical properties (such as structural, functional, and spatial information, amino acid conservation, physicochemical variation, residue mobility, and thermodynamic stability) performed at Invitae indicates that this missense variant is not expected to disrupt DMD protein function with a negative predictive value of 95%. In summary, the available evidence is currently insufficient to determine the role of this variant in disease. Therefore, it has been classified as a Variant of Uncertain Significance.